The following is an entry in ClinVar:

NM_000116.5(TAFAZZIN):c.238G>C (p.Gly80Arg)

Gene: TAFAZZIN (tafazzin, phospholipid-lysophospholipid transacylase; plus strand). Cytogenetic location: Xq28.
Variant type: single nucleotide variant.
Coding change: c.238G>C on transcript NM_000116.5 (MANE Select); coding-DNA position 238, G replaced by C.
Protein change: p.Gly80Arg; replaces glycine 80 with arginine.
Molecular consequence: missense variant. On other transcripts: non-coding transcript variant (1).
Genome position (GRCh38, 1-based): chrX:154,412,214, G>C. VCF-style: chrX-154412214-G-C. GRCh37 (hg19) VCF-style: chrX-153640551-G-C.
Other names: c.292G>C, p.Gly98Arg (NM_001303465.2); c.238G>C, p.Gly80Arg (NM_181311.4, NM_181312.4, NM_181313.4); short protein forms G98R, G80R.
Identifiers: ClinVar variation 807698 (VCV000807698.6), dbSNP rs1557191170, ClinGen allele CA415180281.

ClinVar aggregate classification (germline): Pathogenic/Likely pathogenic. Review status: criteria provided, multiple submitters, no conflicts (2 of 4 stars). 2 submissions from 2 submitters: Pathogenic (1); Likely pathogenic (1). Last evaluated 2018-10-29.

Conditions:
3-Methylglutaconic aciduria type 2 (BTHS). Also called: Barth syndrome; CARDIOSKELETAL MYOPATHY WITH NEUTROPENIA AND ABNORMAL MITOCHONDRIA. Identifiers: Orphanet 111, MedGen C0574083, MONDO:0010543, OMIM 302060.

Submissions (2):

Institute of Human Genetics Munich, TUM University Hospital
Classification: Likely pathogenic for 3-Methylglutaconic aciduria type 2. Last evaluated: 2018-10-29. Review status: criteria provided, single submitter. Criteria: Classification criteria August 2017. Collection method: clinical testing. Allele origin: germline. Inheritance: X-linked inheritance. Affected: yes. Observed: 1 hemizygote.

Kids Neuroscience Centre, Sydney Children's Hospitals Network
Classification: Pathogenic for 3-Methylglutaconic aciduria type 2. Review status: criteria provided, single submitter. Criteria: Bournazos AM et al. (Genet Med 2021). Collection method: clinical testing. Allele origin: de novo. Inheritance: X-linked inheritance. Affected: yes. Observed: 1 hemizygote.
Comment: Use of Intron-2 cryptic 5’ splice-site abnormally includes 36 nt of intron-2 into the TAZ pre-mRNA, encoding 12 ectopic amino acids into the tafazzin protein. Exon-2 skipping abnormally removes 129 nucleotides from the TAZ pre-mRNA. This event is in frame, deleting 43 (highly conserved) amino acids from the encoded tafazzin protein. Our RT-PCR results infer splicing outcomes consistent with a damaging effect for the encoded tafazzin protein.